The following is an entry in ClinVar:

ClinVar aggregate classification (germline): Pathogenic. Review status: criteria provided, multiple submitters, no conflicts (2 of 4 stars). 5 submissions from 5 submitters: Pathogenic (4). 1 of the submissions does not count toward it. Last evaluated 2025-12-07.

Conditions:
Juvenile nephropathic cystinosis. Also called: Intermediate Cystinosis; Later-Onset (Juvenile) Cystinosis; CYSTINOSIS, LATE-ONSET JUVENILE OR ADOLESCENT NEPHROPATHIC TYPE. Identifiers: Orphanet 213, Orphanet 411634, MedGen C0268626, MONDO:0009066, OMIM 219900.
Inborn genetic diseases. Identifiers: MedGen C0950123, MeSH D030342.
Ocular cystinosis. Also called: Non-Nephropathic Cystinosis; Non-Nephropathic (Ocular) Cystinosis. Identifiers: Orphanet 213, Orphanet 411641, MedGen C2931013, MONDO:0009064, OMIM 219750.
Nephropathic cystinosis (CTNS). Also called: CYSTINOSIN, DEFECT OF; LYSOSOMAL CYSTINE TRANSPORT PROTEIN, DEFECT OF; Abderhalden Lignac Kaufmann disease; Abderhalden-Kaufmann-Lignac syndrome. Identifiers: Orphanet 213, Orphanet 411629, MedGen C2931187, MONDO:0100151, OMIM 219800.
Cystinosis. Also called: Cystine diathesis; Cystine storage disease; Cystinoses. Identifiers: Orphanet 213, MedGen C4316899, MONDO:0016239.

Allele frequency attached by ClinVar (database versions not stated): gnomAD exomes below 0.00001; ExAC 0.00001.

Submissions (5):

Labcorp Genetics (formerly Invitae), Labcorp
Classification: Pathogenic for Inborn genetic diseases; Ocular cystinosis; Juvenile nephropathic cystinosis. Last evaluated: 2025-12-07. Review status: criteria provided, single submitter. Criteria: Invitae Variant Classification Sherloc (09022015). Collection method: clinical testing. Allele origin: germline.
Comment: This sequence change creates a premature translational stop signal (p.Thr277Asnfs*19) in the CTNS gene. It is expected to result in an absent or disrupted protein product. Loss-of-function variants in CTNS are known to be pathogenic (PMID: 9537412, 27102039). This variant is present in population databases (rs752919200, gnomAD 0.0009%). This premature translational stop signal has been observed in individual(s) with clinical features of nephropathic cystinosis (PMID: 22664570, 24464559, 26565940, 28893421). In at least one individual the data is consistent with being in trans (on the opposite chromosome) from a pathogenic variant. ClinVar contains an entry for this variant (Variation ID: 551290). For these reasons, this variant has been classified as Pathogenic.

Natera, Inc.
Classification: Pathogenic for Cystinosis. Last evaluated: 2025-03-16. Review status: criteria provided, single submitter. Criteria: Natera Variant Classification Schema (03/2026). Collection method: clinical testing. Allele origin: germline.
Comment: The c.829dupA variant in CTNS is a frameshift variant predicted to shift the reading frame beginning at codon 277 and leads to a stop codon 19 codons downstream. This variant is expected to result in nonsense mediated decay, truncation, or a dysfunctional protein product. This variant is rare in the general population with a frequency below the threshold expected for the associated phenotype(s). This variant has been observed in one or more individuals affected with the associated recessive disease, as either homozygous or compound heterozygous with a second variant (PMID: 24464559). Additionally, this variant has been observed to segregate in affected family members (PMID: 24464559). Given the available evidence, this variant is classified as Pathogenic.

Baylor Genetics
Classification: Pathogenic for Nephropathic cystinosis. Last evaluated: 2024-01-01. Review status: criteria provided, single submitter. Criteria: ACMG Guidelines, 2015. Collection method: clinical testing. Allele origin: unknown.

Fulgent Genetics
Classification: Pathogenic for Ocular cystinosis; Nephropathic cystinosis; Juvenile nephropathic cystinosis. Last evaluated: 2022-02-14. Review status: criteria provided, single submitter. Criteria: ACMG Guidelines, 2015. Collection method: clinical testing. Allele origin: unknown.

Counsyl
Classification: Pathogenic for Nephropathic cystinosis. Last evaluated: 2017-03-29. Review status: no assertion criteria provided. Collection method: clinical testing. Allele origin: unknown. Not counted in ClinVar's aggregate classification.

Literature cited by the submitters: PubMed 9537412 (cited by Labcorp Genetics (formerly Invitae), Labcorp); PubMed 27102039 (cited by Labcorp Genetics (formerly Invitae), Labcorp); PubMed 22664570 (cited by Labcorp Genetics (formerly Invitae), Labcorp); PubMed 24464559 (cited by 3 submitters); PubMed 26565940 (cited by Labcorp Genetics (formerly Invitae), Labcorp); PubMed 28893421 (cited by Labcorp Genetics (formerly Invitae), Labcorp).

NM_004937.3(CTNS):c.829dup (p.Thr277fs)

Gene: CTNS (cystinosin, lysosomal cystine transporter; plus strand). Cytogenetic location: 17p13.2.
Variant type: Duplication.
Coding change: c.829dup on transcript NM_004937.3 (MANE Select); coding-DNA position 829, one base duplicated (A; older notation c.829dupA).
Protein change: p.Thr277fs; shifts the reading frame from threonine 277.
Molecular consequence: frameshift variant.
Genome position (GRCh38, 1-based): chr17:3,658,152, A duplicated. VCF-style (leftmost placement, unchanged base first): chr17-3658151-C-CA. GRCh37 (hg19) VCF-style: chr17-3561445-C-CA.
Other names: c.829dup, p.Thr277fs (NM_001031681.3, NM_001374492.1); c.388dup, p.Thr130fs (NM_001374493.1, NM_001374494.1, NM_001374495.1 and 1 more transcripts); c.829dupA (NM_004937.2); short protein forms T277fs, T130fs.
Identifiers: ClinVar variation 551290 (VCV000551290.17), dbSNP rs752919200, ClinGen allele CA8291902.